The following is an entry in ClinVar:

NM_006218.4(PIK3CA):c.965C>G (p.Thr322Arg)

Gene: PIK3CA (phosphatidylinositol-4,5-bisphosphate 3-kinase catalytic subunit alpha; plus strand). Cytogenetic location: 3q26.32.
Variant type: single nucleotide variant.
Coding change: c.965C>G on transcript NM_006218.4 (MANE Select); coding-DNA position 965, C replaced by G.
Protein change: p.Thr322Arg; replaces threonine 322 with arginine.
Molecular consequence: missense variant.
Genome position (GRCh38, 1-based): chr3:179,203,695, C>G. VCF-style: chr3-179203695-C-G. GRCh37 (hg19) VCF-style: chr3-178921483-C-G.
Other names: short protein forms T322R.
Identifiers: ClinVar variation 3225383 (VCV003225383.1), dbSNP rs2108393041, ClinGen allele CA355280846.

ClinVar aggregate classification (germline): Uncertain significance (1 of 4 stars; one submission).

Conditions:
Inborn genetic diseases. Identifiers: MedGen C0950123, MeSH D030342.

Submission:

Ambry Genetics
Classification: Uncertain significance for Inborn genetic diseases. Last evaluated: 2023-11-22. Review status: criteria provided, single submitter. Criteria: Ambry Variant Classification Scheme 2023. Collection method: clinical testing. Allele origin: germline.
Comment: The p.T322R variant (also known as c.965C>G), located in coding exon 4 of the PIK3CA gene, results from a C to G substitution at nucleotide position 965. The threonine at codon 322 is replaced by arginine, an amino acid with similar properties. This amino acid position is conserved. In addition, this alteration is predicted to be tolerated by in silico analysis. Since supporting evidence is limited at this time, the clinical significance of this alteration remains unclear.